The following is an entry in ClinVar:

ClinVar aggregate classification (germline): Pathogenic (1 of 4 stars; one submission).

Conditions:
Glycogen storage disease, type II (IOPD). Also called: Pompe Disease; CARDIOMEGALIA GLYCOGENICA DIFFUSA; GLYCOGENOSIS, GENERALIZED, CARDIAC FORM; GSD II; POMPE DISEASE, INFANTILE-ONSET; GLYCOGEN STORAGE DISEASE II, INFANTILE-ONSET. Identifiers: Orphanet 365, MedGen C0017921, MONDO:0009290, OMIM 232300.

Submission:

Genomenon, Inc
Classification: Pathogenic for Glycogen storage disease, type II. Last evaluated: 2026-07-01. Review status: criteria provided, single submitter. Criteria: Genomenon Sequence Variant Interpretation Standards - Updated. Collection method: curation. Allele origin: germline. Affected: yes.
Comment: GAA p.Ala486SerfsTer30 (c.1456_1468del) is a frameshift variant that is predicted to introduce a premature termination codon and result in a truncated or absent protein product. This variant has been observed in at least one proband with a GAA-related disorder (PMID:7981676). It is absent or not present at a significant frequency in gnomAD. In conclusion, we classify GAA p.Ala486SerfsTer30 (c.1456_1468del) as a pathogenic variant.

Literature cited by the submitters: PubMed 7981676.

NM_000152.5(GAA):c.1456_1468del (p.Ala486fs)

Gene: GAA (alpha glucosidase; plus strand). Cytogenetic location: 17q25.3.
Variant type: Deletion.
Coding change: c.1456_1468del on transcript NM_000152.5 (MANE Select); coding-DNA positions 1456 to 1468, 13 bases deleted (GCCTTCCCCGACT).
Protein change: p.Ala486fs; shifts the reading frame from alanine 486.
Molecular consequence: frameshift variant.
Genome position (GRCh38, 1-based): chr17:80,110,745-80,110,757, GCCTTCCCCGACT deleted; deleting any 13 consecutive bases within chr17:80,110,742-80,110,757 gives the same sequence; the c. name uses the placement nearest the transcript's 3' end. VCF-style (leftmost placement, unchanged base first): chr17-80110741-CACTGCCTTCCCCG-C. GRCh37 (hg19) VCF-style: chr17-78084540-CACTGCCTTCCCCG-C.
Other names: c.1456_1468del, p.Ala486fs (NM_001079803.3, NM_001079804.3, NM_001406741.1 and 1 more transcripts); short protein forms A486fs.
Identifiers: ClinVar variation 4876435 (VCV004876435.1).
Genomic context (GRCh38, chr17:80,110,741, plus strand): 5'-CCCTGGGTGGGGCCGGGTCTCCCCACTGCAGCCTCTCGTTGTCCAGGTATGGCCCGGGTC[CACTGCCTTCCCCG>C]ACTTCACCAACCCCACAGCCCTGGCCTGGTGGGAGGACATGGTGGCTGAGTTCCATGACC-3'